The following is an entry in ClinVar:

ClinVar aggregate classification (germline): Uncertain significance. Review status: criteria provided, multiple submitters, no conflicts (2 of 4 stars). 2 submissions from 2 submitters: Uncertain significance (2). Last evaluated 2020-08-20.

Conditions:
Progressive myoclonic epilepsy. Also called: Myoclonus epilepsy; Progressive myoclonus epilepsy; Familial progressive myoclonic epilepsy; Myoclonic Epilepsies, Progressive. Identifiers: Orphanet 308, Orphanet 98261, MedGen C0751778, MONDO:0020074.
Inborn genetic diseases. Identifiers: MedGen C0950123, MeSH D030342.

Allele frequency attached by ClinVar (database versions not stated): gnomAD exomes 0.00001; ExAC 0.00002.
gnomAD v4.1: 3 of 1,613,664 alleles (0.00019%); highest among the groups gnomAD compares: Admixed American, 0.005%; no homozygotes.

Submissions (2):

Labcorp Genetics (formerly Invitae), Labcorp
Classification: Uncertain significance for Progressive myoclonic epilepsy. Last evaluated: 2020-08-20. Review status: criteria provided, single submitter. Criteria: Invitae Variant Classification Sherloc (09022015). Collection method: clinical testing. Allele origin: germline.
Comment: In summary, the available evidence is currently insufficient to determine the role of this variant in disease. Therefore, it has been classified as a Variant of Uncertain Significance. Algorithms developed to predict the effect of missense changes on protein structure and function are either unavailable or do not agree on the potential impact of this missense change (SIFT: "Tolerated"; PolyPhen-2: "Probably Damaging"; Align-GVGD: "Class C0"). This variant has not been reported in the literature in individuals with SCARB2-related conditions. This variant is present in population databases (rs776680365, ExAC 0.02%). This sequence change replaces glycine with alanine at codon 126 of the SCARB2 protein (p.Gly126Ala). The glycine residue is highly conserved and there is a small physicochemical difference between glycine and alanine.

Ambry Genetics
Classification: Uncertain significance for Inborn genetic diseases. Last evaluated: 2019-08-30. Review status: criteria provided, single submitter. Criteria: Ambry Variant Classification Scheme 2023. Collection method: clinical testing. Allele origin: germline.
Comment: The p.G126A variant (also known as c.377G>C), located in coding exon 3 of the SCARB2 gene, results from a G to C substitution at nucleotide position 377. The glycine at codon 126 is replaced by alanine, an amino acid with similar properties. This amino acid position is highly conserved in available vertebrate species. In addition, the in silico prediction for this alteration is inconclusive. Since supporting evidence is limited at this time, the clinical significance of this alteration remains unclear.

NM_005506.4(SCARB2):c.377G>C (p.Gly126Ala)

Gene: SCARB2 (scavenger receptor class B member 2; minus strand). Cytogenetic location: 4q21.1.
Variant type: single nucleotide variant.
Coding change: c.377G>C on transcript NM_005506.4 (MANE Select); coding-DNA position 377, G replaced by C.
Protein change: p.Gly126Ala; replaces glycine 126 with alanine.
Molecular consequence: missense variant. On other transcripts: intron variant (1).
Genome position (GRCh38, 1-based): chr4:76,181,000, C>G on the plus strand (G>C on the coding strand, the complement: SCARB2 is on the minus strand). VCF-style: chr4-76181000-C-G. GRCh37 (hg19) VCF-style: chr4-77102153-C-G.
Other names: c.276-5090G>C (NM_001204255.2); short protein forms G126A.
Identifiers: ClinVar variation 1021436 (VCV001021436.8), dbSNP rs776680365, ClinGen allele CA2970348.
Genomic context (GRCh38, chr4:76,181,000, plus strand): 5'-AAATGCCTACTTACCAATACAGGAATATTTAATGTTCTAATTAAGTCAATTTTAGGGTCT[C>G]CAACAGATTGGTCTCGTTCAAAAACATAGGCCTTGTTGCTAACAGCAGATATTGTTGTTC-3'
Protein context (NP_005497.1, residues 116-136): AYVFERDQSV[Gly126Ala]DPKIDLIRTL